The following is an entry in ClinVar:

NM_004304.5(ALK):c.2447G>T (p.Gly816Val)

Gene: ALK (ALK receptor tyrosine kinase; minus strand). Cytogenetic location: 2p23.2.
Variant type: single nucleotide variant.
Coding change: c.2447G>T on transcript NM_004304.5 (MANE Select); coding-DNA position 2447, G replaced by T.
Protein change: p.Gly816Val; replaces glycine 816 with valine.
Molecular consequence: missense variant.
Genome position (GRCh38, 1-based): chr2:29,233,605, C>A on the plus strand (G>T on the coding strand, the complement: ALK is on the minus strand). VCF-style: chr2-29233605-C-A. GRCh37 (hg19) VCF-style: chr2-29456471-C-A.
Other names: short protein forms G816V.
Identifiers: ClinVar variation 4674484 (VCV004674484.1).

ClinVar aggregate classification (germline): Uncertain significance (1 of 4 stars; one submission).

Conditions:
Hereditary cancer-predisposing syndrome. Also called: Neoplastic Syndromes, Hereditary; Tumor predisposition; Hereditary Cancer Syndrome; Hereditary neoplastic syndrome. Identifiers: Orphanet 140162, MedGen C0027672, MeSH D009386, MONDO:0015356.

Submission:

Ambry Genetics
Classification: Uncertain significance for Hereditary cancer-predisposing syndrome. Last evaluated: 2025-10-09. Review status: criteria provided, single submitter. Criteria: Ambry Variant Classification Scheme 2023. Collection method: clinical testing. Allele origin: germline.
Comment: The p.G816V variant (also known as c.2447G>T), located in coding exon 14 of the ALK gene, results from a G to T substitution at nucleotide position 2447. The glycine at codon 816 is replaced by valine, an amino acid with dissimilar properties. This amino acid position is conserved. In addition, the in silico prediction for this alteration is inconclusive. Based on the available evidence, the clinical significance of this variant remains unclear.